The following is an entry in ClinVar:

ClinVar aggregate classification (germline): Uncertain significance (1 of 4 stars; one submission).

Conditions:
Bardet-Biedl syndrome (BBS). Identifiers: Orphanet 110, MedGen C0752166, MONDO:0015229.

Allele frequency attached by ClinVar (database versions not stated): gnomAD below 0.00001 and 0.00001.
gnomAD v4.1: 1 of 1,614,036 alleles (0.000062%); highest among the groups gnomAD compares: South Asian, 0.0011%; no homozygotes.

Submission:

Labcorp Genetics (formerly Invitae), Labcorp
Classification: Uncertain significance for Bardet-Biedl syndrome. Last evaluated: 2021-05-07. Review status: criteria provided, single submitter. Criteria: Invitae Variant Classification Sherloc (09022015). Collection method: clinical testing. Allele origin: germline.
Comment: This variant is not present in population databases (ExAC no frequency). This variant has not been reported in the literature in individuals with BBS2-related conditions. Algorithms developed to predict the effect of missense changes on protein structure and function are either unavailable or do not agree on the potential impact of this missense change (SIFT: "Deleterious"; PolyPhen-2: "Benign"; Align-GVGD: "Class C0"). This sequence change replaces alanine with valine at codon 80 of the BBS2 protein (p.Ala80Val). The alanine residue is highly conserved and there is a small physicochemical difference between alanine and valine. In summary, the available evidence is currently insufficient to determine the role of this variant in disease. Therefore, it has been classified as a Variant of Uncertain Significance. Algorithms developed to predict the effect of sequence changes on RNA splicing suggest that this variant may create or strengthen a splice site, but this prediction has not been confirmed by published transcriptional studies.

NM_031885.5(BBS2):c.239C>T (p.Ala80Val)

Gene: BBS2 (Bardet-Biedl syndrome 2; minus strand). Cytogenetic location: 16q13.
Variant type: single nucleotide variant.
Coding change: c.239C>T on transcript NM_031885.5 (MANE Select); coding-DNA position 239, C replaced by T.
Protein change: p.Ala80Val; replaces alanine 80 with valine.
Molecular consequence: missense variant. On other transcripts: non-coding transcript variant (5).
Genome position (GRCh38, 1-based): chr16:56,514,559, G>A on the plus strand (C>T on the coding strand, the complement: BBS2 is on the minus strand). VCF-style: chr16-56514559-G-A. GRCh37 (hg19) VCF-style: chr16-56548471-G-A.
Other names: c.239C>T, p.Ala80Val (NM_001377456.1); short protein forms A80V.
Identifiers: ClinVar variation 1044382 (VCV001044382.8), dbSNP rs1964679008, ClinGen allele CA395985797.